The following is an entry in ClinVar:

NM_005732.4(RAD50):c.911T>G (p.Leu304Arg)

Gene: RAD50 (RAD50 double strand break repair protein; plus strand). Cytogenetic location: 5q31.1.
Variant type: single nucleotide variant.
Coding change: c.911T>G on transcript NM_005732.4 (MANE Select); coding-DNA position 911, T replaced by G.
Protein change: p.Leu304Arg; replaces leucine 304 with arginine.
Molecular consequence: missense variant.
Genome position (GRCh38, 1-based): chr5:132,587,949, T>G. VCF-style: chr5-132587949-T-G. GRCh37 (hg19) VCF-style: chr5-131923641-T-G.
Other names: c.911T>G (NM_005732.3); short protein forms L304R.
Identifiers: ClinVar variation 2847715 (VCV002847715.4), dbSNP rs1060501934, ClinGen allele CA360940854.

ClinVar aggregate classification (germline): Uncertain significance. Review status: criteria provided, multiple submitters, no conflicts (2 of 4 stars). 2 submissions from 2 submitters: Uncertain significance (2). Last evaluated 2024-05-02.

Conditions:
Hereditary cancer-predisposing syndrome. Also called: Neoplastic Syndromes, Hereditary; Hereditary Cancer Syndrome; Tumor predisposition; Hereditary neoplastic syndrome. Identifiers: Orphanet 140162, MedGen C0027672, MeSH D009386, MONDO:0015356.

Submissions (2):

Ambry Genetics
Classification: Uncertain significance for Hereditary cancer-predisposing syndrome. Last evaluated: 2024-05-02. Review status: criteria provided, single submitter. Criteria: Ambry Variant Classification Scheme 2023. Collection method: clinical testing. Allele origin: germline.
Comment: The p.L304R variant (also known as c.911T>G), located in coding exon 7 of the RAD50 gene, results from a T to G substitution at nucleotide position 911. The leucine at codon 304 is replaced by arginine, an amino acid with dissimilar properties. This amino acid position is conserved. In addition, the in silico prediction for this alteration is inconclusive. Based on the available evidence, the clinical significance of this variant remains unclear.

Labcorp Genetics (formerly Invitae), Labcorp
Classification: Uncertain significance for Hereditary cancer-predisposing syndrome. Last evaluated: 2023-03-20. Review status: criteria provided, single submitter. Criteria: Invitae Variant Classification Sherloc (09022015). Collection method: clinical testing. Allele origin: germline.
Comment: In summary, the available evidence is currently insufficient to determine the role of this variant in disease. Therefore, it has been classified as a Variant of Uncertain Significance. Advanced modeling of protein sequence and biophysical properties (such as structural, functional, and spatial information, amino acid conservation, physicochemical variation, residue mobility, and thermodynamic stability) performed at Invitae indicates that this missense variant is expected to disrupt RAD50 protein function. This variant has not been reported in the literature in individuals affected with RAD50-related conditions. This variant is not present in population databases (gnomAD no frequency). This sequence change replaces leucine, which is neutral and non-polar, with arginine, which is basic and polar, at codon 304 of the RAD50 protein (p.Leu304Arg).